The following is an entry in ClinVar:

NM_000392.5(ABCC2):c.1968-2A>C

Gene: ABCC2 (ATP binding cassette subfamily C member 2; plus strand). Cytogenetic location: 10q24.2.
Variant type: single nucleotide variant.
Coding change: c.1968-2A>C on transcript NM_000392.5 (MANE Select); the canonical splice acceptor site of the intron before coding-DNA position 1968, A replaced by C.
Molecular consequence: splice acceptor variant.
Genome position (GRCh38, 1-based): chr10:99,813,016, A>C. VCF-style: chr10-99813016-A-C. GRCh37 (hg19) VCF-style: chr10-101572773-A-C.
Other names: c.1968-2A>C (NM_000392.4).
Identifiers: ClinVar variation 3651132 (VCV003651132.3).

ClinVar aggregate classification (germline): Likely pathogenic. Review status: criteria provided, multiple submitters, no conflicts (2 of 4 stars). 2 submissions from 2 submitters: Likely pathogenic (2). Last evaluated 2025-11-09.

Conditions:
ABCC2-related disorder. Also called: ABCC2-related condition.

gnomAD v4.1: 1 of 1,613,852 alleles (0.000062%); highest among the groups gnomAD compares: Non-Finnish European, 0.000085%; no homozygotes.

Submissions (2):

PreventionGenetics, part of Exact Sciences
Classification: Likely pathogenic for ABCC2-related condition. Last evaluated: 2025-11-09. Review status: criteria provided, single submitter. Criteria: ACMG Guidelines, 2015. Collection method: clinical testing. Allele origin: germline.
Comment: The ABCC2 c.1968-2A>C variant is predicted to disrupt the AG splice acceptor site and interfere with normal splicing. To our knowledge, this variant has not been reported in the literature or in a large population database (gnomAD), indicating this variant is rare. This variant is predicted to impact splicing based on available splicing prediction programs (SpliceAI, Jaganathan et al. 2019. PubMed ID: 30661751). Alternate nucleotide changes within this exon/intron boundary have been reported (c.1967+1G>A, c.1967+2T>C and c.1968-1G>C; Human Gene Mutation Database). The c.1967+2T>C variant was reported in the homozygous state in an individual with Dubin Johnson syndrome (Kajihara et al. 1998. PubMed ID: 9878557). Variants that disrupt the consensus splice acceptor site in ABCC2 are expected to be pathogenic. The c.1968-2A>C variant is interpreted as likely pathogenic.

Labcorp Genetics (formerly Invitae), Labcorp
Classification: Likely pathogenic. Last evaluated: 2024-04-25. Review status: criteria provided, single submitter. Criteria: Invitae Variant Classification Sherloc (09022015). Collection method: clinical testing. Allele origin: germline.
Comment: This sequence change affects an acceptor splice site in intron 15 of the ABCC2 gene. It is expected to disrupt RNA splicing. Variants that disrupt the donor or acceptor splice site typically lead to a loss of protein function (PMID: 16199547), and loss-of-function variants in ABCC2 are known to be pathogenic (PMID: 9185779, 16549534, 16952291). This variant is not present in population databases (gnomAD no frequency). This variant has not been reported in the literature in individuals affected with ABCC2-related conditions. Algorithms developed to predict the effect of sequence changes on RNA splicing suggest that this variant may disrupt the consensus splice site. In summary, the currently available evidence indicates that the variant is pathogenic, but additional data are needed to prove that conclusively. Therefore, this variant has been classified as Likely Pathogenic.

Literature cited by the submitters: PubMed 16199547 (cited by Labcorp Genetics (formerly Invitae), Labcorp); PubMed 9185779 (cited by Labcorp Genetics (formerly Invitae), Labcorp); PubMed 16549534 (cited by Labcorp Genetics (formerly Invitae), Labcorp); PubMed 16952291 (cited by Labcorp Genetics (formerly Invitae), Labcorp).